The following is an entry in ClinVar:

ClinVar aggregate classification (germline): Likely pathogenic. Review status: criteria provided, multiple submitters, no conflicts (2 of 4 stars). 2 submissions from 2 submitters: Likely pathogenic (2). Last evaluated 2025-07-01.

Conditions:
Congenital myotonia, autosomal recessive form. Also called: Becker Generalized Myotonia; BECKER DISEASE; myotonia congenita, autosomal recessive. Identifiers: Orphanet 614, MedGen C0751360, MONDO:0009715, OMIM 255700.
Congenital myotonia, autosomal dominant form (THD). Also called: THOMSEN DISEASE; Myotonia congenita autosomal dominant. Identifiers: Orphanet 614, MedGen C2936781, MONDO:0008055, OMIM 160800.

Submissions (2):

Labcorp Genetics (formerly Invitae), Labcorp
Classification: Likely pathogenic for Congenital myotonia, autosomal recessive form; Congenital myotonia, autosomal dominant form. Last evaluated: 2025-07-01. Review status: criteria provided, single submitter. Criteria: Invitae Variant Classification Sherloc (09022015). Collection method: clinical testing. Allele origin: germline.
Comment: This sequence change affects a donor splice site in intron 18 of the CLCN1 gene. It is expected to disrupt RNA splicing. Variants that disrupt the donor or acceptor splice site typically lead to a loss of protein function (PMID: 16199547), and loss-of-function variants in CLCN1 are known to be pathogenic (PMID: 17932099, 22094069, 23739125). This variant is not present in population databases (gnomAD no frequency). This variant has not been reported in the literature in individuals affected with CLCN1-related conditions. ClinVar contains an entry for this variant (Variation ID: 2439133). Algorithms developed to predict the effect of sequence changes on RNA splicing suggest that this variant may disrupt the consensus splice site. In summary, the currently available evidence indicates that the variant is pathogenic, but additional data are needed to prove that conclusively. Therefore, this variant has been classified as Likely Pathogenic.

Revvity Omics, Revvity
Classification: Likely pathogenic. Last evaluated: 2021-12-09. Review status: criteria provided, single submitter. Criteria: ACMG Guidelines, 2015. Collection method: clinical testing. Allele origin: germline.

Literature cited by the submitters: PubMed 16199547 (cited by Labcorp Genetics (formerly Invitae), Labcorp); PubMed 17932099 (cited by Labcorp Genetics (formerly Invitae), Labcorp); PubMed 22094069 (cited by Labcorp Genetics (formerly Invitae), Labcorp); PubMed 23739125 (cited by Labcorp Genetics (formerly Invitae), Labcorp).

NM_000083.3(CLCN1):c.2284+1G>T

Gene: CLCN1 (chloride voltage-gated channel 1; plus strand). Cytogenetic location: 7q34.
Variant type: single nucleotide variant.
Coding change: c.2284+1G>T on transcript NM_000083.3 (MANE Select); the canonical splice donor site of the intron after coding-DNA position 2284, G replaced by T.
Molecular consequence: splice donor variant.
Genome position (GRCh38, 1-based): chr7:143,346,252, G>T. VCF-style: chr7-143346252-G-T. GRCh37 (hg19) VCF-style: chr7-143043345-G-T.
Identifiers: ClinVar variation 2439133 (VCV002439133.4), dbSNP rs2485436810, ClinGen allele CA369651586.
Genomic context (GRCh38, chr7:143,346,252, plus strand): 5'-AAGAGCCCAATGGGCCTCTGCCTGGCCACAAACAGCAGCCGGAAGCACCAGAGCCTGCAG[G>T]TGACGCTCTTCCCTCATGCACCCCAACTCACCCCTTGTGGGTTCTCTCTGGTCACTAGGA-3'